The following is an entry in ClinVar:

ClinVar aggregate classification (germline): Uncertain significance. Review status: criteria provided, multiple submitters, no conflicts (2 of 4 stars). 4 submissions from 4 submitters: Uncertain significance (4). Last evaluated 2023-12-22.

Conditions:
Inborn genetic diseases. Identifiers: MedGen C0950123, MeSH D030342.

Allele frequency attached by ClinVar (database versions not stated): gnomAD exomes 0.00006 and 0.00022; ExAC 0.00007; 1000 Genomes Project 30x 0.00016; 1000 Genomes Project 0.00020; gnomAD 0.00051 and 0.00053; TOPMed 0.00051.
gnomAD v4.1: 161 of 1,612,814 alleles (0.01%); highest among the groups gnomAD compares: Admixed American, 0.26%; no homozygotes.

Submissions (4):

Labcorp Genetics (formerly Invitae), Labcorp
Classification: Uncertain significance. Last evaluated: 2023-12-22. Review status: criteria provided, single submitter. Criteria: Invitae Variant Classification Sherloc (09022015). Collection method: clinical testing. Allele origin: germline.
Comment: This sequence change replaces glutamine, which is neutral and polar, with arginine, which is basic and polar, at codon 886 of the RIN2 protein (p.Gln886Arg). This variant is present in population databases (rs529654225, gnomAD 0.2%). This variant has not been reported in the literature in individuals affected with RIN2-related conditions. ClinVar contains an entry for this variant (Variation ID: 1213214). Experimental studies and prediction algorithms are not available or were not evaluated, and the functional significance of this variant is currently unknown. In summary, the available evidence is currently insufficient to determine the role of this variant in disease. Therefore, it has been classified as a Variant of Uncertain Significance.

Ambry Genetics
Classification: Uncertain significance for Inborn genetic diseases. Last evaluated: 2023-10-30. Review status: criteria provided, single submitter. Criteria: Ambry Variant Classification Scheme 2023. Collection method: clinical testing. Allele origin: germline.

GeneDx
Classification: Uncertain significance. Last evaluated: 2021-09-22. Review status: criteria provided, single submitter. Criteria: GeneDx Variant Classification Process June 2021. Collection method: clinical testing. Allele origin: germline. Affected: yes.
Comment: Has not been previously published as pathogenic or benign to our knowledge; In silico analysis supports that this missense variant does not alter protein structure/function

Breakthrough Genomics
Classification: Uncertain significance. Review status: criteria provided, single submitter. Criteria: ACMG Guidelines, 2015. Collection method: not provided. Allele origin: germline. Inheritance: Autosomal dominant inheritance. Affected: yes.

NM_018993.4(RIN2):c.2657A>G (p.Gln886Arg)

Gene: RIN2 (Ras and Rab interactor 2; plus strand). Cytogenetic location: 20p11.23.
Variant type: single nucleotide variant.
Coding change: c.2657A>G on transcript NM_018993.4 (MANE Select); coding-DNA position 2657, A replaced by G.
Protein change: p.Gln886Arg; replaces glutamine 886 with arginine.
Molecular consequence: missense variant.
Genome position (GRCh38, 1-based): chr20:20,000,905, A>G. VCF-style: chr20-20000905-A-G. GRCh37 (hg19) VCF-style: chr20-19981549-A-G.
Other names: c.2804A>G, p.Gln935Arg (NM_001242581.2); c.2039A>G, p.Gln680Arg (NM_001378238.1); short protein forms Q680R, Q886R, Q935R.
Identifiers: ClinVar variation 1213214 (VCV001213214.13), dbSNP rs529654225, ClinGen allele CA9780351.
Genomic context (GRCh38, chr20:20,000,905, plus strand): 5'-CCCACATCTTCCACTTTGTCTACAAACGCATCAAGAACGATCCTTATGGCATCATTTTCC[A>G]GAACGGGGAAGAAGACCTCACCACCTCCTAGAAGACAGGCGGGACTTCCCAGTGGTGCAT-3'
Protein context (NP_061866.1, residues 876-895): IKNDPYGIIF[Gln886Arg]NGEEDLTTS